The following is an entry in ClinVar:

NM_000540.3(RYR1):c.7615-3T>G

Gene: RYR1 (ryanodine receptor 1; plus strand). Cytogenetic location: 19q13.2.
Variant type: single nucleotide variant.
Coding change: c.7615-3T>G on transcript NM_000540.3 (MANE Select); 3 bases into the intron before coding-DNA position 7615, T replaced by G.
Molecular consequence: intron variant.
Genome position (GRCh38, 1-based): chr19:38,502,504, T>G. VCF-style: chr19-38502504-T-G. GRCh37 (hg19) VCF-style: chr19-38993144-T-G.
Other names: c.7615-3T>G (NM_001042723.2).
Identifiers: ClinVar variation 2864187 (VCV002864187.3), dbSNP rs1970171016, ClinGen allele CA2739276779.

ClinVar aggregate classification (germline): Uncertain significance (1 of 4 stars; one submission).

Conditions:
RYR1-related disorder. Also called: RYR1-related condition; RYR1-related disorders. Identifiers: MedGen CN239331.

Submission:

Labcorp Genetics (formerly Invitae), Labcorp
Classification: Uncertain significance for RYR1-related disorder. Last evaluated: 2024-06-28. Review status: criteria provided, single submitter. Criteria: Invitae Variant Classification Sherloc (09022015). Collection method: clinical testing. Allele origin: germline.
Comment: This sequence change falls in intron 47 of the RYR1 gene. It does not directly change the encoded amino acid sequence of the RYR1 protein. It affects a nucleotide within the consensus splice site. This variant is not present in population databases (gnomAD no frequency). This variant has not been reported in the literature in individuals affected with RYR1-related conditions. Variants that disrupt the consensus splice site are a relatively common cause of aberrant splicing (PMID: 17576681, 9536098). Algorithms developed to predict the effect of sequence changes on RNA splicing suggest that this variant may disrupt the consensus splice site. In summary, the available evidence is currently insufficient to determine the role of this variant in disease. Therefore, it has been classified as a Variant of Uncertain Significance.

Literature cited by the submitters: PubMed 17576681; PubMed 9536098.